The following is an entry in ClinVar:

NM_030962.4(SBF2):c.2329T>G (p.Trp777Gly)

Genes: SBF2 (SET binding factor 2; minus strand), LOC101928008 (uncharacterized LOC101928008; plus strand). Cytogenetic location: 11p15.4.
Variant type: single nucleotide variant.
Coding change: c.2329T>G on transcript NM_030962.4 (MANE Select); coding-DNA position 2329, T replaced by G.
Protein change: p.Trp777Gly; replaces tryptophan 777 with glycine.
Molecular consequence: missense variant.
Genome position (GRCh38, 1-based): chr11:9,856,492, A>C on the plus strand (T>G on the coding strand, the complement: SBF2 is on the minus strand). VCF-style: chr11-9856492-A-C. GRCh37 (hg19) VCF-style: chr11-9878039-A-C.
Other names: c.2329T>G, p.Trp777Gly (NM_001386339.1); c.2200T>G, p.Trp734Gly (NM_001386342.1); short protein forms W777G, W734G.
Identifiers: ClinVar variation 581858 (VCV000581858.9), dbSNP rs1321841784, ClinGen allele CA379638766.
Genomic context (GRCh38, chr11:9,856,492, plus strand): 5'-GGGTCTGTGTGTTCACATTTTGGTACCTGTTTGTGACAATGCTGTTGCTTCCGCTCTCCC[A>C]GTCACCTGGCGCTGATGTTCTTAGGAGCTTGTTTTTACTTGTGTCGAGTGGAACTAGCAG-3'
Protein context (NP_112224.1, residues 767-787): KLLRTSAPGD[Trp777Gly]ESGSNSIVTN

ClinVar aggregate classification (germline): Uncertain significance (1 of 4 stars; one submission).

Conditions:
Charcot-Marie-Tooth disease type 4. Also called: Charcot-Marie-Tooth disease, type IV; Charcot-Marie-Tooth, Type 4. Identifiers: Orphanet 64749, MedGen C4082197, MONDO:0018995.

Submission:

Labcorp Genetics (formerly Invitae), Labcorp
Classification: Uncertain significance for Charcot-Marie-Tooth disease type 4. Last evaluated: 2018-06-11. Review status: criteria provided, single submitter. Criteria: Invitae Variant Classification Sherloc (09022015). Collection method: clinical testing. Allele origin: germline.
Comment: In summary, the available evidence is currently insufficient to determine the role of this variant in disease. Therefore, it has been classified as a Variant of Uncertain Significance. Algorithms developed to predict the effect of missense changes on protein structure and function are either unavailable or do not agree on the potential impact of this missense change (SIFT: "Deleterious"; PolyPhen-2: "Benign"; Align-GVGD: "Class C0"). This variant has not been reported in the literature in individuals with SBF2-related disease. This variant is not present in population databases (ExAC no frequency). This sequence change replaces tryptophan with glycine at codon 777 of the SBF2 protein (p.Trp777Gly). The tryptophan residue is moderately conserved and there is a large physicochemical difference between tryptophan and glycine.